The following is an entry in ClinVar:

NM_033131.4(WNT3A):c.215T>G (p.Ile72Ser)

Gene: WNT3A (Wnt family member 3A; plus strand). Cytogenetic location: 1q42.13.
Variant type: single nucleotide variant.
Coding change: c.215T>G on transcript NM_033131.4 (MANE Select); coding-DNA position 215, T replaced by G.
Protein change: p.Ile72Ser; replaces isoleucine 72 with serine.
Molecular consequence: missense variant.
Genome position (GRCh38, 1-based): chr1:228,022,810, T>G. VCF-style: chr1-228022810-T-G. GRCh37 (hg19) VCF-style: chr1-228210511-T-G.
Other names: c.215T>G (NM_033131.3); short protein forms I72S.
Identifiers: ClinVar variation 2962056 (VCV002962056.4), dbSNP rs760074981, ClinGen allele CA1429384.

ClinVar aggregate classification (germline): Uncertain significance. Review status: criteria provided, multiple submitters, no conflicts (2 of 4 stars). 2 submissions from 2 submitters: Uncertain significance (2). Last evaluated 2025-06-12.

Allele frequency attached by ClinVar (database versions not stated): ExAC 0.00001; TOPMed 0.00001.

Submissions (2):

Ambry Genetics
Classification: Uncertain significance. Last evaluated: 2025-06-12. Review status: criteria provided, single submitter. Criteria: Ambry Variant Classification Scheme 2023. Collection method: clinical testing. Allele origin: germline.

Labcorp Genetics (formerly Invitae), Labcorp
Classification: Uncertain significance. Last evaluated: 2023-11-04. Review status: criteria provided, single submitter. Criteria: Invitae Variant Classification Sherloc (09022015). Collection method: clinical testing. Allele origin: germline.
Comment: This sequence change replaces isoleucine, which is neutral and non-polar, with serine, which is neutral and polar, at codon 72 of the WNT3A protein (p.Ile72Ser). This variant is present in population databases (rs760074981, gnomAD 0.02%). This variant has not been reported in the literature in individuals affected with WNT3A-related conditions. Advanced modeling of protein sequence and biophysical properties (such as structural, functional, and spatial information, amino acid conservation, physicochemical variation, residue mobility, and thermodynamic stability) performed at Invitae indicates that this missense variant is not expected to disrupt WNT3A protein function with a negative predictive value of 80%. In summary, the available evidence is currently insufficient to determine the role of this variant in disease. Therefore, it has been classified as a Variant of Uncertain Significance.